The following is an entry in ClinVar:

NM_024120.5(NDUFAF5):c.716T>C (p.Val239Ala)

Gene: NDUFAF5 (NADH:ubiquinone oxidoreductase complex assembly factor 5; plus strand). Cytogenetic location: 20p12.1.
Variant type: single nucleotide variant.
Coding change: c.716T>C on transcript NM_024120.5 (MANE Select); coding-DNA position 716, T replaced by C.
Protein change: p.Val239Ala; replaces valine 239 with alanine.
Molecular consequence: missense variant. On other transcripts: non-coding transcript variant (7).
Genome position (GRCh38, 1-based): chr20:13,801,682, T>C. VCF-style: chr20-13801682-T-C. GRCh37 (hg19) VCF-style: chr20-13782328-T-C.
Other names: c.632T>C, p.Val211Ala (NM_001039375.3); c.245T>C, p.Val82Ala (NM_001352403.2); c.155T>C, p.Val52Ala (NM_001352406.2, NM_001352407.2); c.716T>C, p.Val239Ala (NM_001352408.2); c.716T>C (NM_024120.4); short protein forms V211A, V52A, V82A, V239A.
Identifiers: ClinVar variation 2146027 (VCV002146027.3), dbSNP rs751318172, ClinGen allele CA9767840.
Genomic context (GRCh38, chr20:13,801,682, plus strand): 5'-TCACTGCTGTCAATGACCTGGGACATCTGCTTGGGAGAGCTGGCTTTAATACTCTGACTG[T>C]GGTAACTATCAAGTTCGATTAACCCATAACTTACACAGTTCAAAAAAGAACTTCTTATCA-3'
Protein context (NP_077025.2, residues 229-249): LGRAGFNTLT[Val239Ala]DTDEIQVNYP

ClinVar aggregate classification (germline): Uncertain significance. Review status: criteria provided, multiple submitters, no conflicts (2 of 4 stars). 2 submissions from 2 submitters: Uncertain significance (2). Last evaluated 2024-05-15.

Conditions:
Inborn genetic diseases. Identifiers: MedGen C0950123, MeSH D030342.

Allele frequency attached by ClinVar (database versions not stated): ExAC 0.00001; gnomAD exomes 0.00002; gnomAD 0.00003; TOPMed 0.00003.

Submissions (2):

Ambry Genetics
Classification: Uncertain significance for Inborn genetic diseases. Last evaluated: 2024-05-15. Review status: criteria provided, single submitter. Criteria: Ambry Variant Classification Scheme 2023. Collection method: clinical testing. Allele origin: germline.

Labcorp Genetics (formerly Invitae), Labcorp
Classification: Uncertain significance. Last evaluated: 2021-09-24. Review status: criteria provided, single submitter. Criteria: Invitae Variant Classification Sherloc (09022015). Collection method: clinical testing. Allele origin: germline.
Comment: This sequence change replaces valine with alanine at codon 239 of the NDUFAF5 protein (p.Val239Ala). The valine residue is highly conserved and there is a small physicochemical difference between valine and alanine. This variant is present in population databases (rs751318172, ExAC 0.001%). This variant has not been reported in the literature in individuals with NDUFAF5-related disease. Algorithms developed to predict the effect of missense changes on protein structure and function (SIFT, PolyPhen-2, Align-GVGD) all suggest that this variant is likely to be disruptive, but these predictions have not been confirmed by published functional studies and their clinical significance is uncertain. In summary, the available evidence is currently insufficient to determine the role of this variant in disease. Therefore, it has been classified as a Variant of Uncertain Significance.